The following is an entry in ClinVar:

ClinVar aggregate classification (germline): Uncertain significance (1 of 4 stars; one submission).

Submission:

GeneDx
Classification: Uncertain significance. Last evaluated: 2020-07-24. Review status: criteria provided, single submitter. Criteria: GeneDx Variant Classification Process June 2021. Collection method: clinical testing. Allele origin: germline. Affected: yes.
Comment: Not observed in large population cohorts (Lek et al., 2016); In silico analysis supports that this missense variant does not alter protein structure/function; Has not been previously published as pathogenic or benign to our knowledge.

NM_014423.4(AFF4):c.3307T>A (p.Phe1103Ile)

Gene: AFF4 (ALF transcription elongation factor 4; minus strand). Cytogenetic location: 5q31.1.
Variant type: single nucleotide variant.
Coding change: c.3307T>A on transcript NM_014423.4 (MANE Select); coding-DNA position 3307, T replaced by A.
Protein change: p.Phe1103Ile; replaces phenylalanine 1103 with isoleucine.
Molecular consequence: missense variant.
Genome position (GRCh38, 1-based): chr5:132,883,397, A>T on the plus strand (T>A on the coding strand, the complement: AFF4 is on the minus strand). VCF-style: chr5-132883397-A-T. GRCh37 (hg19) VCF-style: chr5-132219089-A-T.
Other names: short protein forms F1103I.
Identifiers: ClinVar variation 1304590 (VCV001304590.2), dbSNP rs2150063555, ClinGen allele CA360966990.